The following is an entry in ClinVar:

ClinVar aggregate classification (germline): Pathogenic. Review status: criteria provided, multiple submitters, no conflicts (2 of 4 stars). 3 submissions from 3 submitters: Pathogenic (2). 1 of the submissions does not count toward it. Last evaluated 2020-10-23.

Conditions:
Charcot-Marie-Tooth disease axonal type 2F (CMT2F). Also called: CHARCOT-MARIE-TOOTH DISEASE, NEURONAL, TYPE 2F; Charcot-Marie-Tooth Neuropathy Type 2F. Identifiers: Orphanet 99940, MedGen C1847823, MONDO:0011687, OMIM 606595.
Charcot-Marie-Tooth disease. Also called: Charcot-Marie-Tooth Neuropathy; Charcot-Marie-Tooth Hereditary Neuropathy. Identifiers: Orphanet 166, MedGen C0007959, MONDO:0015626.

Allele frequency attached by ClinVar (database versions not stated): gnomAD exomes below 0.00001.
gnomAD v4.1: 2 of 1,610,956 alleles (0.00012%); no homozygotes.

Submissions (3):

Institute of Medical Genetics and Applied Genomics, University Hospital Tübingen
Classification: Pathogenic. Last evaluated: 2020-10-23. Review status: criteria provided, single submitter. Criteria: ACMG Guidelines, 2015. Collection method: clinical testing. Allele origin: germline. Inheritance: Unknown mechanism. Affected: yes.

Labcorp Genetics (formerly Invitae), Labcorp
Classification: Pathogenic for Charcot-Marie-Tooth disease axonal type 2F. Last evaluated: 2019-09-12. Review status: criteria provided, single submitter. Criteria: Invitae Variant Classification Sherloc (09022015). Collection method: clinical testing. Allele origin: germline.
Comment: Algorithms developed to predict the effect of missense changes on protein structure and function do not agree on the potential impact of this missense change (SIFT: "Deleterious"; PolyPhen-2: "Probably Damaging"; Align-GVGD: "Class C15"). This sequence change replaces serine with tyrosine at codon 135 of the HSPB1 protein (p.Ser135Tyr). The serine residue is highly conserved and there is a large physicochemical difference between serine and tyrosine. This variant is not present in population databases (ExAC no frequency). This variant has been reported in individuals affected with distal hereditary motor neuropathy and Charcot-Marie-Tooth disease (PMID: 27816334, 23963299, Invitae) and has been reported to segregate with Charcot-Marie-Tooth disease in a single family (PMID: 23963299). A different missense substitution at this codon (p.Ser135Phe) has been determined to be pathogenic (PMID: 15122254, 18832141, 17881652). This suggests that the serine residue is critical for HSPB1 protein function and that other missense substitutions at this position may also be pathogenic. For these reasons, this variant has been classified as Pathogenic.

Inherited Neuropathy Consortium
Classification: Uncertain significance for Charcot-Marie-Tooth disease. Review status: no assertion criteria provided. Collection method: literature only. Allele origin: germline. Affected: yes. Not counted in ClinVar's aggregate classification.

Literature cited by the submitters: PubMed 27816334 (cited by Labcorp Genetics (formerly Invitae), Labcorp); PubMed 23963299 (cited by Labcorp Genetics (formerly Invitae), Labcorp and Inherited Neuropathy Consortium); PubMed 15122254 (cited by Labcorp Genetics (formerly Invitae), Labcorp); PubMed 18832141 (cited by Labcorp Genetics (formerly Invitae), Labcorp); PubMed 17881652 (cited by Labcorp Genetics (formerly Invitae), Labcorp).

NM_001540.5(HSPB1):c.404C>A (p.Ser135Tyr)

Gene: HSPB1 (heat shock protein family B (small) member 1; plus strand). Cytogenetic location: 7q11.23.
Variant type: single nucleotide variant.
Coding change: c.404C>A on transcript NM_001540.5 (MANE Select); coding-DNA position 404, C replaced by A.
Protein change: p.Ser135Tyr; replaces serine 135 with tyrosine.
Molecular consequence: missense variant.
Genome position (GRCh38, 1-based): chr7:76,303,841, C>A. VCF-style: chr7-76303841-C-A. GRCh37 (hg19) VCF-style: chr7-75933158-C-A.
Other names: c.404C>A (LRG_248t1); short protein forms S135Y.
Identifiers: ClinVar variation 533813 (VCV000533813.13), dbSNP rs28939680, ClinGen allele CA367765473.